The following is an entry in ClinVar:

NM_000238.4(KCNH2):c.1478A>C (p.Tyr493Ser)

Gene: KCNH2 (potassium voltage-gated channel subfamily H member 2; minus strand). Cytogenetic location: 7q36.1.
Variant type: single nucleotide variant.
Coding change: c.1478A>C on transcript NM_000238.4 (MANE Select); coding-DNA position 1478, A replaced by C.
Protein change: p.Tyr493Ser; replaces tyrosine 493 with serine.
Molecular consequence: missense variant.
Genome position (GRCh38, 1-based): chr7:150,952,504, T>G on the plus strand (A>C on the coding strand, the complement: KCNH2 is on the minus strand). VCF-style: chr7-150952504-T-G. GRCh37 (hg19) VCF-style: chr7-150649592-T-G.
Other names: c.1478A>C (LRG_288t1); c.458A>C, p.Tyr153Ser (NM_001204798.2, NM_172057.3); c.1190A>C, p.Tyr397Ser (NM_001406753.1, NM_001406756.1); c.1301A>C, p.Tyr434Ser (NM_001406755.1); c.1178A>C, p.Tyr393Ser (NM_001406757.1); c.1478A>C, p.Tyr493Ser (NM_172056.3); short protein forms Y153S, Y493S, Y397S, Y434S, Y393S.
Identifiers: ClinVar variation 67205 (VCV000067205.7), dbSNP rs199472911, ClinGen allele CA004687.

ClinVar aggregate classification (germline): Uncertain significance. Review status: criteria provided, single submitter (1 of 4 stars). 2 submissions from 2 submitters: Uncertain significance (1). 1 of the submissions does not count toward it. Last evaluated 2021-09-06.

Conditions:
Familial long QT syndrome (RWS). Also called: Congenital long QT syndrome; Romano-Ward syndrome; VENTRICULAR FIBRILLATION WITH PROLONGED QT INTERVAL. Identifiers: Orphanet 768, MedGen C1141890, MONDO:0019171.
Long QT syndrome (LQTS). Identifiers: MedGen C0023976, MeSH D008133, MONDO:0002442. Disease mechanism: loss of function. Inheritance: Various modes of inheritance.

Submissions (2):

Labcorp Genetics (formerly Invitae), Labcorp
Classification: Uncertain significance for Long QT syndrome. Last evaluated: 2021-09-06. Review status: criteria provided, single submitter. Criteria: Invitae Variant Classification Sherloc (09022015). Collection method: clinical testing. Allele origin: germline.
Comment: This variant is not present in population databases (ExAC no frequency). This sequence change replaces tyrosine with serine at codon 493 of the KCNH2 protein (p.Tyr493Ser). The tyrosine residue is highly conserved and there is a large physicochemical difference between tyrosine and serine. In summary, the available evidence is currently insufficient to determine the role of this variant in disease. Therefore, it has been classified as a Variant of Uncertain Significance. This variant disrupts the p.Tyr493 amino acid residue in KCNH2. Other variant(s) that disrupt this residue have been determined to be pathogenic (PMID: 14998624, 22949429). This suggests that this residue is clinically significant, and that variants that disrupt this residue are likely to be disease-causing. Algorithms developed to predict the effect of missense changes on protein structure and function (SIFT, PolyPhen-2, Align-GVGD) all suggest that this variant is likely to be disruptive. ClinVar contains an entry for this variant (Variation ID: 67205). This missense change has been observed in individual(s) with clinical features of long QT syndrome (PMID: 19716085).

Cardiovascular Biomedical Research Unit, Royal Brompton & Harefield NHS Foundation Trust
No classification provided. Condition: Familial long QT syndrome. Review status: no classification provided. Collection method: literature only. Allele origin: germline. Not counted in ClinVar's aggregate classification.
Comment: This variant has been reported as associated with Long QT syndrome in the following publications (PMID:19716085). This is a literature report, and does not necessarily reflect the clinical interpretation of the Imperial College / Royal Brompton Cardiovascular Genetics laboratory.

Literature cited by the submitters: PubMed 14998624 (cited by Labcorp Genetics (formerly Invitae), Labcorp); PubMed 22949429 (cited by Labcorp Genetics (formerly Invitae), Labcorp); PubMed 19716085 (cited by Labcorp Genetics (formerly Invitae), Labcorp and Cardiovascular Biomedical Research Unit, Royal Brompton & Harefield NHS Foundation Trust); PubMed 22581653 (cited by Cardiovascular Biomedical Research Unit, Royal Brompton & Harefield NHS Foundation Trust).